The following is an entry in ClinVar:

ClinVar aggregate classification (germline): Uncertain significance (1 of 4 stars; one submission).

Conditions:
Charcot-Marie-Tooth Neuropathy X. Identifiers: MedGen CN118851.

Submissions (2):

Labcorp Genetics (formerly Invitae), Labcorp
Classification: Uncertain significance for Charcot-Marie-Tooth Neuropathy X. Last evaluated: 2024-10-01. Review status: criteria provided, single submitter. Criteria: Invitae Variant Classification Sherloc (09022015). Collection method: clinical testing. Allele origin: germline.
Comment: This sequence change replaces tryptophan, which is neutral and slightly polar, with leucine, which is neutral and non-polar, at codon 77 of the GJB1 protein (p.Trp77Leu). This variant is not present in population databases (gnomAD no frequency). This missense change has been observed in individual(s) with GJB1-related conditions (internal data). It has also been observed to segregate with disease in related individuals. ClinVar contains an entry for this variant (Variation ID: 477591). Invitae Evidence Modeling of protein sequence and biophysical properties (such as structural, functional, and spatial information, amino acid conservation, physicochemical variation, residue mobility, and thermodynamic stability) indicates that this missense variant is expected to disrupt GJB1 protein function with a positive predictive value of 80%. In summary, the available evidence is currently insufficient to determine the role of this variant in disease. Therefore, it has been classified as a Variant of Uncertain Significance.

Dr. Peter K. Rogan Lab, Western University
No classification provided (evidence only). Condition: Thyroid cancer, nonmedullary, 1. Review status: no classification provided. Collection method: in vitro. Allele origin: not applicable. Functional consequence: retained intron. Not counted in ClinVar's aggregate classification.

NM_000166.6(GJB1):c.230G>T (p.Trp77Leu)

Gene: GJB1 (gap junction protein beta 1; plus strand). Cytogenetic location: Xq13.1.
Variant type: single nucleotide variant.
Coding change: c.230G>T on transcript NM_000166.6 (MANE Select); coding-DNA position 230, G replaced by T.
Protein change: p.Trp77Leu; replaces tryptophan 77 with leucine.
Molecular consequence: missense variant.
Genome position (GRCh38, 1-based): chrX:71,223,937, G>T. VCF-style: chrX-71223937-G-T. GRCh37 (hg19) VCF-style: chrX-70443787-G-T.
Other names: c.230G>T, p.Trp77Leu (NM_001097642.3); short protein forms W77L.
Identifiers: ClinVar variation 477591 (VCV000477591.7), dbSNP rs199570177, ClinGen allele CA413501593.